The following is an entry in ClinVar:

ClinVar aggregate classification (germline): Uncertain significance (1 of 4 stars; one submission).

Conditions:
FOXC1-related disorder. Also called: FOXC1-related condition.

Submission:

PreventionGenetics, part of Exact Sciences
Classification: Uncertain significance for FOXC1-related condition. Last evaluated: 2026-06-22. Review status: criteria provided, single submitter. Criteria: ACMG Guidelines, 2015. Collection method: clinical testing. Allele origin: germline.
Comment: The FOXC1 c.817C>A variant is predicted to result in the amino acid substitution p.Pro273Thr. To our knowledge, this variant has not been reported in the literature or in a large population database (gnomAD), indicating this variant is rare. At this time, the clinical significance of this variant is uncertain due to the absence of conclusive functional and genetic evidence.

NM_001453.3(FOXC1):c.817C>A (p.Pro273Thr)

Gene: FOXC1 (forkhead box C1; plus strand). Cytogenetic location: 6p25.3.
Variant type: single nucleotide variant.
Coding change: c.817C>A on transcript NM_001453.3 (MANE Select); coding-DNA position 817, C replaced by A.
Protein change: p.Pro273Thr; replaces proline 273 with threonine.
Molecular consequence: missense variant.
Genome position (GRCh38, 1-based): chr6:1,611,262, C>A. VCF-style: chr6-1611262-C-A. GRCh37 (hg19) VCF-style: chr6-1611497-C-A.
Other names: short protein forms P273T.
Identifiers: ClinVar variation 4988530 (VCV004988530.1).